The following is an entry in ClinVar:

ClinVar aggregate classification (germline): Conflicting classifications of pathogenicity. Review status: criteria provided, conflicting classifications (1 of 4 stars). 5 submissions from 5 submitters: Uncertain significance (3); Likely benign (2). Last evaluated 2025-04-02.

Conditions:
Glycogen storage disease due to phosphoglycerate kinase 1 deficiency. Also called: PHOSPHOGLYCERATE KINASE 1 DEFICIENCY WITH LEVO-DOPA-RESPONSIVE PARKINSONISM; PGK1 DEFICIENCY. Identifiers: Orphanet 713, MedGen C1970848, MONDO:0010392, OMIM 300653.
Inborn genetic diseases. Identifiers: MedGen C0950123, MeSH D030342.

Allele frequency attached by ClinVar (database versions not stated): ExAC 0.00005; gnomAD 0.00006; gnomAD exomes 0.00007; TOPMed 0.00007; ESP Exome Variant Server 0.00009; 1000 Genomes Project 30x 0.00021; 1000 Genomes Project 0.00026.
gnomAD v4.1: 256 of 1,200,881 alleles (0.021%); highest among the groups gnomAD compares: Non-Finnish European, 0.028%; no homozygotes.

Submissions (5):

Mayo Clinic Laboratories, Mayo Clinic
Classification: Uncertain significance. Last evaluated: 2025-04-02. Review status: criteria provided, single submitter. Criteria: ACMG Guidelines, 2015. Collection method: clinical testing. Allele origin: germline. Observed: 3 variant alleles.
Comment: BS2, BS3, PP3_strong

Labcorp Genetics (formerly Invitae), Labcorp
Classification: Likely benign. Last evaluated: 2025-03-12. Review status: criteria provided, single submitter. Criteria: Invitae Variant Classification Sherloc (09022015). Collection method: clinical testing. Allele origin: germline.

Women's Health and Genetics/Laboratory Corporation of America, LabCorp
Classification: Uncertain significance. Last evaluated: 2023-04-13. Review status: criteria provided, single submitter. Criteria: LabCorp Variant Classification Summary - May 2015. Collection method: clinical testing. Allele origin: germline.
Comment: Variant summary: PGK1 c.1192G>A (p.Ala398Thr) results in a non-conservative amino acid change in the encoded protein sequence. Five of five in-silico tools predict a damaging effect of the variant on protein function. The variant allele was found at a frequency of 7.1e-05 in 183344 control chromosomes, including 7 males (gnomAD). This report does not provide unequivocal conclusions about association of the variant with Glycogen Storage Disease Due To Phosphoglycerate Kinase 1 Deficiency. At least one publication reports experimental evidence evaluating an impact on protein function in yeast-based complementation assays, showing no damaging effect of this variant (Sun_2016). Four submitters have provided clinical-significance assessments for this variant to ClinVar after 2014 without evidence for independent evaluation, and classified the variant as uncertain significance (n=2) or likely benign (n=2). Based on the evidence outlined above, the variant was classified as VUS-possibly benign.

Fulgent Genetics
Classification: Uncertain significance for Glycogen storage disease due to phosphoglycerate kinase 1 deficiency. Last evaluated: 2022-01-12. Review status: criteria provided, single submitter. Criteria: ACMG Guidelines, 2015. Collection method: clinical testing. Allele origin: unknown.

Ambry Genetics
Classification: Likely benign for Inborn genetic diseases. Last evaluated: 2021-12-15. Review status: criteria provided, single submitter. Criteria: Ambry Variant Classification Scheme 2023. Collection method: clinical testing. Allele origin: germline.

Literature cited by the submitters: PubMed 23934111 (cited by Mayo Clinic Laboratories, Mayo Clinic and Women's Health and Genetics/Laboratory Corporation of America, LabCorp); PubMed 26975778 (cited by Mayo Clinic Laboratories, Mayo Clinic and Women's Health and Genetics/Laboratory Corporation of America, LabCorp).

NM_000291.4(PGK1):c.1192G>A (p.Ala398Thr)

Gene: PGK1 (phosphoglycerate kinase 1; plus strand). Cytogenetic location: Xq21.1.
Variant type: single nucleotide variant.
Coding change: c.1192G>A on transcript NM_000291.4 (MANE Select); coding-DNA position 1192, G replaced by A.
Protein change: p.Ala398Thr; replaces alanine 398 with threonine.
Molecular consequence: missense variant.
Genome position (GRCh38, 1-based): chrX:78,125,404, G>A. VCF-style: chrX-78125404-G-A. GRCh37 (hg19) VCF-style: chrX-77380901-G-A.
Other names: short protein forms A398T.
Identifiers: ClinVar variation 1163197 (VCV001163197.14), dbSNP rs199644680, ClinGen allele CA10459842.
Genomic context (GRCh38, chrX:78,125,404, plus strand): 5'-ACTTGCTGTGCCAAATGGAACACGGAGGATAAAGTCAGCCATGTGAGCACTGGGGGTGGT[G>A]CCAGTTTGGAGCTCCTGGAAGGTGAGGGTCTTCTGTTTTTTGGCTTGTTTGGGATAAGGG-3'
Protein context (NP_000282.1, residues 388-408): KVSHVSTGGG[Ala398Thr]SLELLEGKVL